The following is an entry in ClinVar:

NM_021076.4(NEFH):c.2591C>A (p.Ala864Glu)

Gene: NEFH (neurofilament heavy chain; plus strand). Cytogenetic location: 22q12.2.
Variant type: single nucleotide variant.
Coding change: c.2591C>A on transcript NM_021076.4 (MANE Select); coding-DNA position 2591, C replaced by A.
Protein change: p.Ala864Glu; replaces alanine 864 with glutamic acid.
Molecular consequence: missense variant.
Genome position (GRCh38, 1-based): chr22:29,490,231, C>A. VCF-style: chr22-29490231-C-A. GRCh37 (hg19) VCF-style: chr22-29886220-C-A.
Other names: short protein forms A864E.
Identifiers: ClinVar variation 1793524 (VCV001793524.2), dbSNP rs866585700, ClinGen allele CA323089108.

ClinVar aggregate classification (germline): Uncertain significance (1 of 4 stars; one submission).

Conditions:
Inborn genetic diseases. Identifiers: MedGen C0950123, MeSH D030342.

Allele frequency attached by ClinVar (database versions not stated): gnomAD exomes below 0.00001; TOPMed below 0.00001.

Submission:

Ambry Genetics
Classification: Uncertain significance for Inborn genetic diseases. Last evaluated: 2022-01-15. Review status: criteria provided, single submitter. Criteria: Ambry Variant Classification Scheme 2023. Collection method: clinical testing. Allele origin: germline.
Comment: The p.A864E variant (also known as c.2591C>A), located in coding exon 4 of the NEFH gene, results from a C to A substitution at nucleotide position 2591. The alanine at codon 864 is replaced by glutamic acid, an amino acid with dissimilar properties. This amino acid position is conserved. In addition, this alteration is predicted to be tolerated by in silico analysis. Since supporting evidence is limited at this time, the clinical significance of this alteration remains unclear.